The following is an entry in ClinVar:

NC_000021.8:g.(?_45629566)_(46330717_?)dup

Genes: UBE2G2 (ubiquitin conjugating enzyme E2 G2; minus strand), KRTAP10-5 (keratin associated protein 10-5; minus strand), KRTAP12-3 (keratin associated protein 12-3; plus strand), KRTAP10-12 (keratin associated protein 10-12; plus strand), SUMO3 (small ubiquitin like modifier 3; minus strand) and 23 more. Cytogenetic location: 21q22.3.
Variant type: Duplication.
Identifiers: ClinVar variation 528316 (VCV000528316.3).

ClinVar aggregate classification (germline): Uncertain significance (1 of 4 stars; one submission).

Conditions:
Polyglandular autoimmune syndrome, type 1 (APS1). Also called: AUTOIMMUNE POLYENDOCRINE SYNDROME, TYPE I, WITH OR WITHOUT REVERSIBLE METAPHYSEAL DYSPLASIA; APS I; HYPOADRENOCORTICISM WITH HYPOPARATHYROIDISM AND SUPERFICIAL MONILIASIS; PGA I; Autoimmune polyendocrine syndrome type 1; Autoimmune polyendocrinopathy syndrome, type I. Identifiers: Orphanet 3453, MedGen C0085859, MONDO:0009411, OMIM 240300.

Submission:

Labcorp Genetics (formerly Invitae), Labcorp
Classification: Uncertain significance for Polyglandular autoimmune syndrome, type 1. Last evaluated: 2019-12-23. Review status: criteria provided, single submitter. Criteria: Invitae Variant Classification Sherloc (09022015). Collection method: clinical testing. Allele origin: germline.
Comment: This variant results in a copy number gain of the genomic region encompassing the full coding sequence of the AIRE gene. The boundaries of this event are unknown as they extend beyond the assayed region for this gene and therefore may encompass additional genes. As the precise location of this event is unknown, it may be in tandem or it may be located elsewhere in the genome. This variant has not been reported in the literature in individuals with AIRE-related disease. In summary, the available evidence is currently insufficient to determine the role of this variant in disease. Therefore, it has been classified as a Variant of Uncertain Significance.